The following is an entry in ClinVar:

NM_000222.3(KIT):c.166C>T (p.Leu56=)

Gene: KIT (KIT proto-oncogene, receptor tyrosine kinase; plus strand). Cytogenetic location: 4q12.
Variant type: single nucleotide variant.
Coding change: c.166C>T on transcript NM_000222.3 (MANE Select); coding-DNA position 166, C replaced by T.
Protein change: p.Leu56=; no amino-acid change (leucine 56 retained).
Molecular consequence: synonymous variant.
Genome position (GRCh38, 1-based): chr4:54,695,610, C>T. VCF-style: chr4-54695610-C-T. GRCh37 (hg19) VCF-style: chr4-55561776-C-T.
Other names: c.166C>T, p.Leu56= (NM_001093772.2, NM_001385284.1, NM_001385285.1 and 4 more transcripts).
Identifiers: ClinVar variation 415775 (VCV000415775.12), dbSNP rs1060504651, ClinGen allele CA16611574.

ClinVar aggregate classification (germline): Benign/Likely benign. Review status: criteria provided, multiple submitters, no conflicts (2 of 4 stars). 3 submissions from 3 submitters: Benign (1); Likely benign (2). Last evaluated 2026-06-02.

Conditions:
Hereditary cancer-predisposing syndrome. Also called: Neoplastic Syndromes, Hereditary; Hereditary Cancer Syndrome; Hereditary neoplastic syndrome; Tumor predisposition. Identifiers: Orphanet 140162, MedGen C0027672, MeSH D009386, MONDO:0015356.
Gastrointestinal stromal tumor. Also called: Gastrointestinal stroma tumor; Gastrointestinal stromal tumor, somatic. Identifiers: Orphanet 44890, MedGen C0238198, MeSH D046152, MONDO:0011719, OMIM 606764, HP:0100723.

Allele frequency attached by ClinVar (database versions not stated): gnomAD exomes below 0.00001.
gnomAD v4.1: 5 of 1,614,200 alleles (0.00031%); highest among the groups gnomAD compares: Non-Finnish European, 0.00042%; no homozygotes.

Submissions (3):

Myriad Genetics, Inc.
Classification: Benign for Gastrointestinal stromal tumor. Last evaluated: 2026-06-02. Review status: criteria provided, single submitter. Criteria: Myriad Autosomal Dominant, Autosomal Recessive and X-Linked Classification Criteria (2023). Collection method: clinical testing. Allele origin: unknown.
Comment: This variant is considered benign. This variant is a silent/synonymous amino acid change and it is not expected to impact splicing.

Labcorp Genetics (formerly Invitae), Labcorp
Classification: Likely benign for Gastrointestinal stromal tumor. Last evaluated: 2025-04-03. Review status: criteria provided, single submitter. Criteria: Invitae Variant Classification Sherloc (09022015). Collection method: clinical testing. Allele origin: germline.

Ambry Genetics
Classification: Likely benign for Hereditary cancer-predisposing syndrome. Last evaluated: 2022-07-29. Review status: criteria provided, single submitter. Criteria: Ambry Variant Classification Scheme 2023. Collection method: clinical testing. Allele origin: germline.